The following is an entry in ClinVar:

ClinVar aggregate classification (germline): Likely pathogenic. Review status: criteria provided, multiple submitters, no conflicts (2 of 4 stars). 2 submissions from 2 submitters: Likely pathogenic (2). Last evaluated 2025-04-08.

Submissions (2):

GeneDx
Classification: Likely pathogenic. Last evaluated: 2025-04-08. Review status: criteria provided, single submitter. Criteria: GeneDx Variant Classification Process June 2021. Collection method: clinical testing. Allele origin: germline. Affected: yes.
Comment: Not observed at significant frequency in large population cohorts (gnomAD); In silico analysis supports that this missense variant has a deleterious effect on protein structure/function; This variant is associated with the following publications: (PMID: 25240749, 20513134)

Labcorp Genetics (formerly Invitae), Labcorp
Classification: Likely pathogenic. Last evaluated: 2021-04-03. Review status: criteria provided, single submitter. Criteria: Invitae Variant Classification Sherloc (09022015). Collection method: clinical testing. Allele origin: germline.
Comment: In summary, the currently available evidence indicates that the variant is pathogenic, but additional data are needed to prove that conclusively. Therefore, this variant has been classified as Likely Pathogenic. Advanced modeling of protein sequence and biophysical properties (such as structural, functional, and spatial information, amino acid conservation, physicochemical variation, residue mobility, and thermodynamic stability) performed at Invitae indicates that this missense variant is expected to disrupt COL11A1 protein function. This variant has been observed in individual(s) with Stickler syndrome (PMID: 20513134, Invitae). This variant is also known as c.4574G>A. ClinVar contains an entry for this variant (Variation ID: 449528). This variant is not present in population databases (ExAC no frequency). This sequence change replaces glycine with aspartic acid at codon 1513 of the COL11A1 protein (p.Gly1513Asp). The glycine residue is highly conserved and there is a moderate physicochemical difference between glycine and aspartic acid.

Literature cited by the submitters: PubMed 20513134 (cited by Labcorp Genetics (formerly Invitae), Labcorp).

NM_001854.4(COL11A1):c.4538G>A (p.Gly1513Asp)

Gene: COL11A1 (collagen type XI alpha 1 chain; minus strand). Cytogenetic location: 1p21.1.
Variant type: single nucleotide variant.
Coding change: c.4538G>A on transcript NM_001854.4 (MANE Select); coding-DNA position 4538, G replaced by A.
Protein change: p.Gly1513Asp; replaces glycine 1513 with aspartic acid.
Molecular consequence: missense variant. On other transcripts: non-coding transcript variant (1).
Genome position (GRCh38, 1-based): chr1:102,888,739, C>T on the plus strand (G>A on the coding strand, the complement: COL11A1 is on the minus strand). VCF-style: chr1-102888739-C-T. GRCh37 (hg19) VCF-style: chr1-103354295-C-T.
Other names: c.4421G>A, p.Gly1474Asp (NM_001190709.2); c.4574G>A, p.Gly1525Asp (NM_080629.3); c.4190G>A, p.Gly1397Asp (NM_080630.4); short protein forms G1513D, G1525D, G1397D, G1474D.
Identifiers: ClinVar variation 449528 (VCV000449528.10), dbSNP rs1553193913, ClinGen allele CA341212411.